The following is an entry in ClinVar:

ClinVar aggregate classification (germline): Uncertain significance (1 of 4 stars; one submission).

Conditions:
Epilepsy. Also called: Seizure disorder. Identifiers: MedGen C0014544, MeSH D004827, MONDO:0005027.

Allele frequency attached by ClinVar (database versions not stated): TOPMed below 0.00001; gnomAD 0.00001; gnomAD exomes 0.00001.
gnomAD v4.1: 15 of 1,613,018 alleles (0.00093%); highest among the groups gnomAD compares: Non-Finnish European, 0.0013%; no homozygotes.

Submission:

Labcorp Genetics (formerly Invitae), Labcorp
Classification: Uncertain significance for Epilepsy. Last evaluated: 2022-03-15. Review status: criteria provided, single submitter. Criteria: Invitae Variant Classification Sherloc (09022015). Collection method: clinical testing. Allele origin: germline.
Comment: This sequence change replaces leucine, which is neutral and non-polar, with valine, which is neutral and non-polar, at codon 564 of the PIGQ protein (p.Leu564Val). In summary, the available evidence is currently insufficient to determine the role of this variant in disease. Therefore, it has been classified as a Variant of Uncertain Significance. Algorithms developed to predict the effect of missense changes on protein structure and function are either unavailable or do not agree on the potential impact of this missense change (SIFT: "Tolerated"; PolyPhen-2: "Probably Damaging"; Align-GVGD: "Class C0"). This variant has not been reported in the literature in individuals affected with PIGQ-related conditions. This variant is not present in population databases (gnomAD no frequency).

NM_004204.5(PIGQ):c.1690C>G (p.Leu564Val)

Gene: PIGQ (phosphatidylinositol glycan anchor biosynthesis class Q; plus strand). Cytogenetic location: 16p13.3.
Variant type: single nucleotide variant.
Coding change: c.1690C>G on transcript NM_004204.5 (MANE Select); coding-DNA position 1690, C replaced by G.
Protein change: p.Leu564Val; replaces leucine 564 with valine.
Molecular consequence: missense variant.
Genome position (GRCh38, 1-based): chr16:582,979, C>G. VCF-style: chr16-582979-C-G. GRCh37 (hg19) VCF-style: chr16-632979-C-G.
Other names: c.1628C>G, p.Ala543Gly (NM_148920.4); short protein forms A543G, L564V.
Identifiers: ClinVar variation 2109212 (VCV002109212.4), dbSNP rs2035837174, ClinGen allele CA394061919.